The following is an entry in ClinVar:

ClinVar aggregate classification (germline): Uncertain significance (1 of 4 stars; one submission).

Allele frequency attached by ClinVar (database versions not stated): gnomAD exomes below 0.00001.
gnomAD v4.1: 1 of 1,574,162 alleles (0.000064%); highest among the groups gnomAD compares: South Asian, 0.0012%; no homozygotes.

Submission:

Labcorp Genetics (formerly Invitae), Labcorp
Classification: Uncertain significance. Last evaluated: 2022-08-09. Review status: criteria provided, single submitter. Criteria: Invitae Variant Classification Sherloc (09022015). Collection method: clinical testing. Allele origin: germline.
Comment: In summary, the available evidence is currently insufficient to determine the role of this variant in disease. Therefore, it has been classified as a Variant of Uncertain Significance. Advanced modeling of protein sequence and biophysical properties (such as structural, functional, and spatial information, amino acid conservation, physicochemical variation, residue mobility, and thermodynamic stability) performed at Invitae indicates that this missense variant is not expected to disrupt COL7A1 protein function. This variant is not present in population databases (gnomAD no frequency). This sequence change replaces serine, which is neutral and polar, with glycine, which is neutral and non-polar, at codon 2564 of the COL7A1 protein (p.Ser2564Gly). ClinVar contains an entry for this variant (Variation ID: 1390635). This variant has not been reported in the literature in individuals affected with COL7A1-related conditions.

NM_000094.4(COL7A1):c.7690A>G (p.Ser2564Gly)

Gene: COL7A1 (collagen type VII alpha 1 chain; minus strand). Cytogenetic location: 3p21.31.
Variant type: single nucleotide variant.
Coding change: c.7690A>G on transcript NM_000094.4 (MANE Select); coding-DNA position 7690, A replaced by G.
Protein change: p.Ser2564Gly; replaces serine 2564 with glycine.
Molecular consequence: missense variant.
Genome position (GRCh38, 1-based): chr3:48,568,852, T>C on the plus strand (A>G on the coding strand, the complement: COL7A1 is on the minus strand). VCF-style: chr3-48568852-T-C. GRCh37 (hg19) VCF-style: chr3-48606285-T-C.
Other names: short protein forms S2564G.
Identifiers: ClinVar variation 1390635 (VCV001390635.8), dbSNP rs2107639863, ClinGen allele CA352643397.
Genomic context (GRCh38, chr3:48,568,852, plus strand): 5'-CCAGGAGTCCACGCAGTCCTGGCAACCCGGCTGAGCCCTTGTCACCAGGCTCTCCCTTGC[T>C]GCCCTGTGGGAGTGACCAGGAGAGGGATTCAGTCAGGACCAGATCAGGCTGGGGGCTTAG-3'
Protein context (NP_000085.1, residues 2554-2574): GDNGDPGDKG[Ser2564Gly]KGEPGDKGSA